The following is an entry in ClinVar:

NM_014141.6(CNTNAP2):c.2235C>T (p.Cys745=)

Gene: CNTNAP2 (contactin associated protein 2; plus strand). Cytogenetic location: 7q35.
Variant type: single nucleotide variant.
Coding change: c.2235C>T on transcript NM_014141.6 (MANE Select); coding-DNA position 2235, C replaced by T.
Protein change: p.Cys745=; no amino-acid change (cysteine 745 retained).
Molecular consequence: synonymous variant.
Genome position (GRCh38, 1-based): chr7:147,903,701, C>T. VCF-style: chr7-147903701-C-T. GRCh37 (hg19) VCF-style: chr7-147600793-C-T.
Identifiers: ClinVar variation 2138233 (VCV002138233.5), dbSNP rs773833579, ClinGen allele CA4546334.
Genomic context (GRCh38, chr7:147,903,701, plus strand): 5'-CCAGAAATGTGCCTGCGGCATCGAACGCAACTGCACAGATCCCAAGTACTACTGTAACTG[C>T]GACGCGGACTACAAGCAATGGTGAGTGCCTGCGGGCAGCACAGCCAGGCTCACCCTCCCA-3'
Protein context (NP_054860.1, residues 735-755): NCTDPKYYCN[Cys745=]DADYKQWRKD

ClinVar aggregate classification (germline): Likely benign. Review status: criteria provided, multiple submitters, no conflicts (2 of 4 stars). 2 submissions from 2 submitters: Likely benign (2). Last evaluated 2026-07-01.

Conditions:
Cortical dysplasia-focal epilepsy syndrome (PTHSL1). Also called: Pitt-Hopkins-like syndrome 1. Identifiers: Orphanet 163681, Orphanet 221150, MedGen C2750246, MONDO:0012400, OMIM 610042.

Allele frequency attached by ClinVar (database versions not stated): TOPMed 0.00002; gnomAD 0.00005; ExAC 0.00002; gnomAD exomes 0.00002.
gnomAD v4.1: 30 of 1,613,742 alleles (0.0019%); highest among the groups gnomAD compares: Middle Eastern, 0.016%; no homozygotes.

Submissions (2):

CeGaT Center for Human Genetics Tuebingen
Classification: Likely benign. Last evaluated: 2026-07-01. Review status: criteria provided, single submitter. Criteria: CeGaT Center For Human Genetics Tuebingen Variant Classification Criteria Version 2. Collection method: clinical testing. Allele origin: germline. Affected: yes. Observed: 1 variant allele.
Comment: CNTNAP2: BP4, BP7

Labcorp Genetics (formerly Invitae), Labcorp
Classification: Likely benign for Cortical dysplasia-focal epilepsy syndrome. Last evaluated: 2026-01-09. Review status: criteria provided, single submitter. Criteria: Invitae Variant Classification Sherloc (09022015). Collection method: clinical testing. Allele origin: germline.